The following is an entry in ClinVar:

ClinVar aggregate classification (germline): Likely benign (1 of 4 stars; one submission).

Submission:

CeGaT Center for Human Genetics Tuebingen
Classification: Likely benign. Last evaluated: 2025-07-01. Review status: criteria provided, single submitter. Criteria: CeGaT Center For Human Genetics Tuebingen Variant Classification Criteria Version 2. Collection method: clinical testing. Allele origin: germline. Affected: yes. Observed: 1 variant allele.
Comment: RGPD2: BP4, BP7

NM_001078170.3(RGPD2):c.3798A>C (p.Ala1266=)

Gene: RGPD2 (RANBP2 like and GRIP domain containing 2; minus strand). Cytogenetic location: 2p11.2.
Variant type: single nucleotide variant.
Coding change: c.3798A>C on transcript NM_001078170.3 (MANE Select); coding-DNA position 3798, A replaced by C.
Protein change: p.Ala1266=; no amino-acid change (alanine 1266 retained).
Molecular consequence: synonymous variant.
Genome position (GRCh38, 1-based): chr2:87,783,226, T>G on the plus strand (A>C on the coding strand, the complement: RGPD2 is on the minus strand). VCF-style: chr2-87783226-T-G. GRCh37 (hg19) VCF-style: chr2-88082745-T-G.
Other names: c.3639A>C, p.Ala1213= (NM_001393613.1).
Identifiers: ClinVar variation 4084870 (VCV004084870.8).